The following is an entry in ClinVar:

ClinVar aggregate classification (germline): Uncertain significance (1 of 4 stars; one submission).

Conditions:
Combined immunodeficiency due to OX40 deficiency. Also called: Immunodeficiency 16; OX40 DEFICIENCY. Identifiers: Orphanet 431149, MedGen C3810053, MONDO:0014268, OMIM 615593.

gnomAD v4.1: 21 of 1,598,484 alleles (0.0013%); highest among the groups gnomAD compares: East Asian, 0.036%; no homozygotes.

Submission:

Labcorp Genetics (formerly Invitae), Labcorp
Classification: Uncertain significance for Combined immunodeficiency due to OX40 deficiency. Last evaluated: 2025-04-29. Review status: criteria provided, single submitter. Criteria: Invitae Variant Classification Sherloc (09022015). Collection method: clinical testing. Allele origin: germline.
Comment: This sequence change replaces glycine, which is neutral and non-polar, with arginine, which is basic and polar, at codon 51 of the TNFRSF4 protein (p.Gly51Arg). The frequency data for this variant in the population databases is considered unreliable, as metrics indicate poor data quality at this position in the gnomAD database. This variant has not been reported in the literature in individuals affected with TNFRSF4-related conditions. Invitae Evidence Modeling of protein sequence and biophysical properties (such as structural, functional, and spatial information, amino acid conservation, physicochemical variation, residue mobility, and thermodynamic stability) indicates that this missense variant is not expected to disrupt TNFRSF4 protein function with a negative predictive value of 80%. In summary, the available evidence is currently insufficient to determine the role of this variant in disease. Therefore, it has been classified as a Variant of Uncertain Significance.

NM_003327.4(TNFRSF4):c.151G>A (p.Gly51Arg)

Gene: TNFRSF4 (TNF receptor superfamily member 4; minus strand). Cytogenetic location: 1p36.33.
Variant type: single nucleotide variant.
Coding change: c.151G>A on transcript NM_003327.4 (MANE Select); coding-DNA position 151, G replaced by A.
Protein change: p.Gly51Arg; replaces glycine 51 with arginine.
Molecular consequence: missense variant.
Genome position (GRCh38, 1-based): chr1:1,213,780, C>T on the plus strand (G>A on the coding strand, the complement: TNFRSF4 is on the minus strand). VCF-style: chr1-1213780-C-T. GRCh37 (hg19) VCF-style: chr1-1149160-C-T.
Other names: c.151G>A, p.Gly51Arg (NM_001410709.1); short protein forms G51R.
Identifiers: ClinVar variation 4736738 (VCV004736738.1).